The following is an entry in ClinVar:

ClinVar aggregate classification (germline): Uncertain significance. Review status: criteria provided, multiple submitters, no conflicts (2 of 4 stars). 3 submissions from 3 submitters: Uncertain significance (3). Last evaluated 2025-12-26.

Conditions:
Cardiac arrhythmia. Also called: Arrhythmia; Cardiac rhythm disease. Identifiers: MedGen C0003811, MONDO:0007263, HP:0011675.
Long QT syndrome (LQTS). Identifiers: MedGen C0023976, MeSH D008133, MONDO:0002442. Disease mechanism: loss of function. Inheritance: Various modes of inheritance.

gnomAD v4.1: 1 of 1,560,152 alleles (0.000064%); highest among the groups gnomAD compares: Non-Finnish European, 0.000087%; no homozygotes.

Submissions (3):

Labcorp Genetics (formerly Invitae), Labcorp
Classification: Uncertain significance for Long QT syndrome. Last evaluated: 2025-12-26. Review status: criteria provided, single submitter. Criteria: Invitae Variant Classification Sherloc (09022015). Collection method: clinical testing. Allele origin: germline.
Comment: This sequence change replaces glycine, which is neutral and non-polar, with arginine, which is basic and polar, at codon 1123 of the KCNH2 protein (p.Gly1123Arg). This variant is not present in population databases (gnomAD no frequency). This variant has not been reported in the literature in individuals affected with KCNH2-related conditions. ClinVar contains an entry for this variant (Variation ID: 3386878). An algorithm developed to predict the effect of missense changes on protein structure and function (PolyPhen-2) suggests that this variant is likely to be disruptive. In summary, the available evidence is currently insufficient to determine the role of this variant in disease. Therefore, it has been classified as a Variant of Uncertain Significance.

All of Us Research Program, National Institutes of Health
Classification: Uncertain significance for Long QT syndrome. Last evaluated: 2024-05-14. Review status: criteria provided, single submitter. Criteria: ACMG Guidelines, 2015. Collection method: clinical testing. Allele origin: germline. Inheritance: Autosomal dominant inheritance. Observed: 1 variant allele, 1 heterozygote.
Comment: This missense variant replaces glycine with arginine at codon 1123 of the KCNH2 protein. Computational prediction is inconclusive regarding the impact of this variant on protein structure and function (internally defined REVEL score threshold 0.5 < inconclusive < 0.7, PMID: 27666373). To our knowledge, functional studies have not been reported for this variant. This variant has not been reported in individuals affected with KCNH2-related disorders in the literature. This variant has not been identified in the general population by the Genome Aggregation Database (gnomAD). The available evidence is insufficient to determine the role of this variant in disease conclusively. Therefore, this variant is classified as a Variant of Uncertain Significance.

This study involves interpretation of variants in research participants for the purpose of population health screening. Participant phenotype was not available at the time of variant classification. Additional details can be found in publication PMID: 35346344, PMCID: PMC8962531

Color Diagnostics, LLC DBA Color Health
Classification: Uncertain significance for Cardiac arrhythmia. Last evaluated: 2024-01-14. Review status: criteria provided, single submitter. Criteria: ACMG Guidelines, 2015. Collection method: clinical testing. Allele origin: germline.
Comment: This missense variant replaces glycine with arginine at codon 1123 of the KCNH2 protein. Computational prediction is inconclusive regarding the impact of this variant on protein structure and function (internally defined REVEL score threshold 0.5 < inconclusive < 0.7, PMID: 27666373). To our knowledge, functional studies have not been reported for this variant. This variant has not been reported in individuals affected with KCNH2-related disorders in the literature. This variant has not been identified in the general population by the Genome Aggregation Database (gnomAD). The available evidence is insufficient to determine the role of this variant in disease conclusively. Therefore, this variant is classified as a Variant of Uncertain Significance.

NM_000238.4(KCNH2):c.3367G>C (p.Gly1123Arg)

Gene: KCNH2 (potassium voltage-gated channel subfamily H member 2; minus strand). Cytogenetic location: 7q36.1.
Variant type: single nucleotide variant.
Coding change: c.3367G>C on transcript NM_000238.4 (MANE Select); coding-DNA position 3367, G replaced by C.
Protein change: p.Gly1123Arg; replaces glycine 1123 with arginine.
Molecular consequence: missense variant. On other transcripts: non-coding transcript variant (2).
Genome position (GRCh38, 1-based): chr7:150,945,478, C>G on the plus strand (G>C on the coding strand, the complement: KCNH2 is on the minus strand). VCF-style: chr7-150945478-C-G. GRCh37 (hg19) VCF-style: chr7-150642566-C-G.
Other names: c.3079G>C, p.Gly1027Arg (NM_001406753.1); c.2347G>C, p.Gly783Arg (NM_172057.3); short protein forms G1027R, G1123R, G783R.
Identifiers: ClinVar variation 3386878 (VCV003386878.3).